The following is an entry in ClinVar:

NM_001367624.2(ZNF469):c.9920C>T (p.Thr3307Met)

Gene: ZNF469 (zinc finger protein 469; plus strand). Cytogenetic location: 16q24.2.
Variant type: single nucleotide variant.
Coding change: c.9920C>T on transcript NM_001367624.2 (MANE Select); coding-DNA position 9920, C replaced by T.
Protein change: p.Thr3307Met; replaces threonine 3307 with methionine.
Molecular consequence: missense variant.
Genome position (GRCh38, 1-based): chr16:88,437,390, C>T. VCF-style: chr16-88437390-C-T. GRCh37 (hg19) VCF-style: chr16-88503798-C-T.
Other names: NM_001127464.1:c.9836C>T; short protein forms T3307M.
Identifiers: ClinVar variation 3901568 (VCV003901568.1).

ClinVar aggregate classification (germline): Uncertain significance (1 of 4 stars; one submission).

gnomAD v4.1: 3 of 1,535,070 alleles (0.0002%); highest among the groups gnomAD compares: Non-Finnish European, 0.00026%; no homozygotes.

Submission:

GeneDx
Classification: Uncertain significance. Last evaluated: 2024-12-05. Review status: criteria provided, single submitter. Criteria: GeneDx Variant Classification Process June 2021. Collection method: clinical testing. Allele origin: germline. Affected: yes.
Comment: Not observed at significant frequency in large population cohorts (gnomAD); In silico analysis indicates that this missense variant does not alter protein structure/function; Has not been previously published as pathogenic or benign to our knowledge